The following is an entry in ClinVar:

ClinVar aggregate classification (germline): Uncertain significance (1 of 4 stars; one submission).

Conditions:
Capillary malformation-arteriovenous malformation syndrome. Also called: Capillary malformation-arteriovenous malformation. Identifiers: Orphanet 137667, MedGen C1842180, MONDO:0012016.

Submission:

Labcorp Genetics (formerly Invitae), Labcorp
Classification: Uncertain significance for Capillary malformation-arteriovenous malformation syndrome. Last evaluated: 2020-11-28. Review status: criteria provided, single submitter. Criteria: Invitae Variant Classification Sherloc (09022015). Collection method: clinical testing. Allele origin: germline.
Comment: In summary, the available evidence is currently insufficient to determine the role of this variant in disease. Therefore, it has been classified as a Variant of Uncertain Significance. Experimental studies and prediction algorithms are not available or were not evaluated, and the functional significance of this variant is currently unknown. This variant has not been reported in the literature in individuals with RASA1-related conditions. This variant is not present in population databases (ExAC no frequency). This variant, c.1806_1817del, is a complex sequence change that results in the deletion of 5 and insertion of 1 amino acid(s) in the RASA1 protein (p.Glu602_Leu606delinsAsp), but otherwise preserves the integrity of the reading frame..

NM_002890.3(RASA1):c.1806_1817del (p.Glu602_Leu606delinsAsp)

Genes: CCNH (cyclin H; minus strand), RASA1 (RAS p21 protein activator 1; plus strand). Cytogenetic location: 5q14.3.
Variant type: Deletion.
Coding change: c.1806_1817del on transcript NM_002890.3 (MANE Select); coding-DNA positions 1806 to 1817, 12 bases deleted (AGCCCATAAACT).
Protein change: p.Glu602_Leu606delinsAsp.
Molecular consequence: inframe indel. On other transcripts: intron variant (1).
Genome position (GRCh38, 1-based): chr5:87,374,192-87,374,203, AGCCCATAAACT deleted. VCF-style (leftmost placement, unchanged base first): chr5-87374191-AAGCCCATAAACT-A. GRCh37 (hg19) VCF-style: chr5-86670008-AAGCCCATAAACT-A.
Other names: c.1275_1286del, p.Glu425_Leu429delinsAsp (NM_022650.3); c.933+20841_933+20852del (NM_001364075.2).
Identifiers: ClinVar variation 1393811 (VCV001393811.8), dbSNP rs2112484781, ClinGen allele CA2573140083.
Genomic context (GRCh38, chr5:87,374,191, plus strand): 5'-TAATATATATATATATATTTTTTTTTTTTTAGGTCAGCAGCCTTGTTTTACATATTGAAG[AAGCCCATAAACT>A]CCCAGTAAAACATTTTACTAATCCATATTGTAACATCTACCTGAATAGTGTCCAAGTAGC-3'